The following is an entry in ClinVar:

ClinVar aggregate classification (germline): Uncertain significance (1 of 4 stars; one submission).

Submission:

Labcorp Genetics (formerly Invitae), Labcorp
Classification: Uncertain significance. Last evaluated: 2025-08-15. Review status: criteria provided, single submitter. Criteria: Invitae Variant Classification Sherloc (09022015). Collection method: clinical testing. Allele origin: germline.
Comment: This variant, c.229_231del, results in the deletion of 1 amino acid(s) of the RCOR1 protein (p.Ala77del), but otherwise preserves the integrity of the reading frame. The frequency data for this variant in the population databases is considered unreliable, as metrics indicate poor data quality at this position in the gnomAD database. This variant has not been reported in the literature in individuals affected with RCOR1-related conditions. Experimental studies and prediction algorithms are not available or were not evaluated, and the functional significance of this variant is currently unknown. In summary, the available evidence is currently insufficient to determine the role of this variant in disease. Therefore, it has been classified as a Variant of Uncertain Significance.

NM_015156.4(RCOR1):c.220GCG[3] (p.Ala77del)

Genes: RCOR1 (REST corepressor 1; plus strand), LOC130056530 (ATAC-STARR-seq lymphoblastoid silent region 6127; plus strand). Cytogenetic location: 14q32.31.
Variant type: Microsatellite.
Coding change: c.220GCG[3] on transcript NM_015156.4 (MANE Select); three copies in a row of the 3-base unit GCG starting at c.220; the reference has four copies in a row; one copy, 3 bases deleted.
Protein change: p.Ala77del; deletes alanine 77.
Genome position (GRCh38, 1-based): chr14:102,593,115-102,593,117, GCG deleted; deleting any 3 consecutive bases within chr14:102,593,105-102,593,117 gives the same sequence; the position shown is the placement nearest the transcript's 3' end. VCF-style (leftmost placement, unchanged base first): chr14-102593104-TGGC-T. GRCh37 (hg19) VCF-style: chr14-103059441-TGGC-T.
Other names: short protein forms A77del.
Identifiers: ClinVar variation 3686436 (VCV003686436.2).
Genomic context (GRCh38, chr14:102,593,104, plus strand): 5'-CAGCCTCGGCCGCCGCCGCCTCAGCCGCCGCCGCCCCCAATAATGGCCAGAATAAAAGTT[TGGC>T]GGCGGCGGCGCCCAATGGCAACAGCAGCAGCAACTCCTGGGAGGAAGGCAGCTCGGGCTC-3'